The following is an entry in ClinVar:

ClinVar aggregate classification (germline): Uncertain significance (1 of 4 stars; one submission).

Conditions:
ILDR1-related disorder. Also called: ILDR1-related condition.

Submission:

PreventionGenetics, part of Exact Sciences
Classification: Uncertain significance for ILDR1-related condition. Last evaluated: 2026-05-12. Review status: criteria provided, single submitter. Criteria: ACMG Guidelines, 2015. Collection method: clinical testing. Allele origin: germline.
Comment: The ILDR1 c.408G>A variant is predicted to result in the amino acid substitution p.Met136Ile. This variant was reported in an individual with age-related hearing loss (Table S9, Boucher et al. 2020. PubMed ID: 33229591). This variant is reported in 0.014% of alleles in individuals of European (Non-Finnish) descent in gnomAD. At this time, the clinical significance of this variant is uncertain due to the absence of conclusive functional and genetic evidence.

NM_001199799.2(ILDR1):c.408G>A (p.Met136Ile)

Gene: ILDR1 (immunoglobulin like domain containing receptor 1; minus strand). Cytogenetic location: 3q13.33.
Variant type: single nucleotide variant.
Coding change: c.408G>A on transcript NM_001199799.2 (MANE Select); coding-DNA position 408, G replaced by A.
Protein change: p.Met136Ile; replaces methionine 136 with isoleucine.
Molecular consequence: missense variant. On other transcripts: intron variant (1).
Genome position (GRCh38, 1-based): chr3:122,001,836, C>T on the plus strand (G>A on the coding strand, the complement: ILDR1 is on the minus strand). VCF-style: chr3-122001836-C-T. GRCh37 (hg19) VCF-style: chr3-121720683-C-T.
Other names: c.408G>A, p.Met136Ile (NM_175924.4); c.379+3408G>A (NM_001199800.2); short protein forms M136I.
Identifiers: ClinVar variation 4979273 (VCV004979273.1).
Genomic context (GRCh38, chr3:122,001,836, plus strand): 5'-GTCTCCTGATGTGTCCCCTGGAGCCTCAATGGTGCAGTAATACACTCCATGGTCCCACCA[C>T]ATCACTTCATTTATCACGAGATCTGCTCCTACACAGTAAGGAGGGAGAAAGTGCCAGTGT-3'
Protein context (NP_001186728.1, residues 126-146): NRADLVINEV[Met136Ile]WWDHGVYYCT